The following is an entry in ClinVar:

ClinVar aggregate classification (germline): Pathogenic (1 of 4 stars; one submission).

Conditions:
Autosomal recessive congenital ichthyosis 4B (ARCI4B). Also called: ICHTHYOSIS CONGENITA, HARLEQUIN FETUS TYPE; Harlequin Fetus; Ichthyosis, congenital, autosomal recessive 4B (harlequin); HARLEQUIN ICHTHYOSIS. Identifiers: Orphanet 457, MedGen C0598226, MONDO:0009443, OMIM 242500.

Submission:

Clinical Genomics Laboratory, Washington University in St. Louis
Classification: Pathogenic for Autosomal recessive congenital ichthyosis 4B. Last evaluated: 2025-06-27. Review status: criteria provided, single submitter. Criteria: ACMG Guidelines, 2015. Collection method: clinical testing. Allele origin: germline. Affected: yes.
Comment: The ABCA12 c.7342del (p.Ser2448Alafs*16) variant, to our knowledge, has not been reported in the medical literature. This variant is absent from the general population (gnomAD v2.1.1), indicating it is not a common variant. This variant causes a frameshift by deleting a single nucleotide, leading to a premature termination codon, which is predicted to lead to nonsense mediated decay. Based on available information and the ACMG/AMP guidelines for variant interpretation (Richards S et al., PMID: 25741868), this variant is classified as pathogenic.

NM_173076.3(ABCA12):c.7342del (p.Ser2448fs)

Genes: ABCA12 (ATP binding cassette subfamily A member 12; minus strand), SNHG31 (small nucleolar RNA host gene 31; plus strand). Cytogenetic location: 2q35.
Variant type: Deletion.
Coding change: c.7342del on transcript NM_173076.3 (MANE Select); coding-DNA position 7342, one base deleted (A; older notation c.7342delA).
Protein change: p.Ser2448fs; shifts the reading frame from serine 2448.
Molecular consequence: frameshift variant. On other transcripts: non-coding transcript variant (1).
Genome position (GRCh38, 1-based): chr2:214,945,002, T deleted on the plus strand (A on the coding strand, the reverse complement: ABCA12 is on the minus strand). VCF-style (leftmost placement, unchanged base first): chr2-214945001-CT-C. GRCh37 (hg19) VCF-style: chr2-215809725-CT-C.
Other names: c.6388del, p.Ser2130fs (NM_015657.4); short protein forms S2130fs, S2448fs.
Identifiers: ClinVar variation 4279824 (VCV004279824.1).